The following is an entry in ClinVar:

NM_001079872.2(CUL4B):c.723_748del (p.Gln241fs)

Gene: CUL4B (cullin 4B; minus strand). Cytogenetic location: Xq24.
Variant type: Deletion.
Coding change: c.723_748del on transcript NM_001079872.2 (MANE Select); coding-DNA positions 723 to 748, 26 bases deleted (GCTGAGACAGATCTGCGAAGATCACA).
Protein change: p.Gln241fs; shifts the reading frame from glutamine 241.
Molecular consequence: frameshift variant.
Genome position (GRCh38, 1-based): chrX:120,547,164-120,547,189, TGTGATCTTCGCAGATCTGTCTCAGC deleted on the plus strand (GCTGAGACAGATCTGCGAAGATCACA on the coding strand, the reverse complement: CUL4B is on the minus strand); deleting any 26 consecutive bases within chrX:120,547,164-120,547,192 gives the same sequence; the c. name uses the placement nearest the transcript's 3' end. VCF-style (leftmost placement, unchanged base first): chrX-120547163-ATGTGATCTTCGCAGATCTGTCTCAGC-A. GRCh37 (hg19) VCF-style: chrX-119681018-ATGTGATCTTCGCAGATCTGTCTCAGC-A.
Other names: c.738_763del, p.Gln246fs (NM_001330624.2); c.189_214del, p.Gln63fs (NM_001369145.1); c.777_802del, p.Gln259fs (NM_003588.4); short protein forms Q241fs, Q246fs, Q259fs, Q63fs.
Identifiers: ClinVar variation 3775208 (VCV003775208.1).

ClinVar aggregate classification (germline): Likely pathogenic (1 of 4 stars; one submission).

Conditions:
X-linked intellectual disability Cabezas type (MRXSC). Also called: CABEZAS SYNDROME; MENTAL RETARDATION, X-LINKED, SYNDROMIC 15; Intellectual developmental disorder, X-linked syndromic, Cabezas type. Identifiers: Orphanet 85289, Orphanet 85293, MedGen C1845861, MONDO:0010306, OMIM 300354.

Submission:

3billion
Classification: Likely pathogenic for X-linked intellectual disability Cabezas type. Last evaluated: 2024-03-14. Review status: criteria provided, single submitter. Criteria: ACMG Guidelines, 2015. Collection method: clinical testing. Allele origin: germline. Affected: yes.
Comment: The variant is not observed in the gnomAD v2.1.1 dataset. Predicted consequence: Frameshift - predicted to result in a loss or disruption of normal protein function through nonsense-mediated decay (NMD) or protein truncation. Multiple pathogenic variants are reported downstream of the variant. Therefore, the variant is classified as likely pathogenic according to the recommendation of ACMG/AMP guideline.